The following is an entry in ClinVar:

NM_020937.4(FANCM):c.14A>G (p.Gln5Arg)

Gene: FANCM (FA complementation group M; plus strand). Cytogenetic location: 14q21.2.
Variant type: single nucleotide variant.
Coding change: c.14A>G on transcript NM_020937.4 (MANE Select); coding-DNA position 14, A replaced by G.
Protein change: p.Gln5Arg; replaces glutamine 5 with arginine.
Molecular consequence: missense variant.
Genome position (GRCh38, 1-based): chr14:45,136,045, A>G. VCF-style: chr14-45136045-A-G. GRCh37 (hg19) VCF-style: chr14-45605248-A-G.
Other names: c.14A>G, p.Gln5Arg (NM_001308133.2, NM_001308134.2); short protein forms Q5R.
Identifiers: ClinVar variation 1984242 (VCV001984242.2), dbSNP rs1258205440, ClinGen allele CA389586597.
Genomic context (GRCh38, chr14:45,136,045, plus strand): 5'-CTGCTGCTACGGATATCTGACAGAAGCCTTCGGTGGTTGTCGGCCTAATGAGCGGACGGC[A>G]AAGAACGCTTTTTCAGACGTGGGGCTCAAGTATCTCCCGATCATCTGGGACTCCGGGTTG-3'
Protein context (NP_065988.1, residues 1-15): MSGR[Gln5Arg]RTLFQTWGSS

ClinVar aggregate classification (germline): Uncertain significance. Review status: criteria provided, multiple submitters, no conflicts (2 of 4 stars). 2 submissions from 2 submitters: Uncertain significance (2). Last evaluated 2025-04-12.

Conditions:
Inborn genetic diseases. Identifiers: MedGen C0950123, MeSH D030342.
Fanconi anemia (FA). Also called: Fanconi's anemia. Identifiers: Orphanet 84, MedGen C0015625, MeSH D005199, MONDO:0019391.

Allele frequency attached by ClinVar (database versions not stated): gnomAD 0.00001; TOPMed below 0.00001.
gnomAD v4.1: 1 of 1,613,470 alleles (0.000062%); highest among the groups gnomAD compares: Non-Finnish European, 0.000085%; no homozygotes.

Submissions (2):

Ambry Genetics
Classification: Uncertain significance for Inborn genetic diseases. Last evaluated: 2025-04-12. Review status: criteria provided, single submitter. Criteria: Ambry Variant Classification Scheme 2023. Collection method: clinical testing. Allele origin: germline.
Comment: The p.Q5R variant (also known as c.14A>G), located in coding exon 1 of the FANCM gene, results from an A to G substitution at nucleotide position 14. The glutamine at codon 5 is replaced by arginine, an amino acid with highly similar properties. This amino acid position is conserved. In addition, this alteration is predicted to be tolerated by in silico analysis. Based on the available evidence, the clinical significance of this variant remains unclear.

Labcorp Genetics (formerly Invitae), Labcorp
Classification: Uncertain significance for Fanconi anemia. Last evaluated: 2022-04-08. Review status: criteria provided, single submitter. Criteria: Invitae Variant Classification Sherloc (09022015). Collection method: clinical testing. Allele origin: germline.
Comment: This sequence change replaces glutamine, which is neutral and polar, with arginine, which is basic and polar, at codon 5 of the FANCM protein (p.Gln5Arg). This variant is not present in population databases (gnomAD no frequency). This variant has not been reported in the literature in individuals affected with FANCM-related conditions. Algorithms developed to predict the effect of missense changes on protein structure and function are either unavailable or do not agree on the potential impact of this missense change (SIFT: "Tolerated"; PolyPhen-2: "Probably Damaging"; Align-GVGD: "Class C0"). In summary, the available evidence is currently insufficient to determine the role of this variant in disease. Therefore, it has been classified as a Variant of Uncertain Significance.